The following is an entry in ClinVar:

NM_000179.3(MSH6):c.1402C>T (p.Arg468Cys)

Gene: MSH6 (mutS homolog 6; plus strand). Cytogenetic location: 2p16.3.
Variant type: single nucleotide variant.
Coding change: c.1402C>T on transcript NM_000179.3 (MANE Select); coding-DNA position 1402, C replaced by T.
Protein change: p.Arg468Cys; replaces arginine 468 with cysteine.
Molecular consequence: missense variant.
Genome position (GRCh38, 1-based): chr2:47,799,385, C>T. VCF-style: chr2-47799385-C-T. GRCh37 (hg19) VCF-style: chr2-48026524-C-T.
Other names: c.1012C>T, p.Arg338Cys (NM_001281492.2); c.496C>T, p.Arg166Cys (NM_001281493.2, NM_001281494.2); short protein forms R468C, R166C, R338C.
Identifiers: ClinVar variation 89191 (VCV000089191.47), dbSNP rs369456858, ClinGen allele CA008576.

ClinVar aggregate classification (germline): Conflicting classifications of pathogenicity. Review status: criteria provided, conflicting classifications (1 of 4 stars). 15 submissions from 15 submitters: Uncertain significance (13); Benign (1); Likely benign (1). Last evaluated 2026-05-20.

Conditions:
MSH6-related disorder. Also called: MSH6-related condition; MSH6-Related disorders.
Lynch syndrome 5 (LYNCH5). Also called: Hereditary non-polyposis colorectal cancer, type 5; Colorectal cancer, hereditary nonpolyposis, type 5. Identifiers: Orphanet 144, MedGen C1833477, MONDO:0013710, OMIM 614350. Disease mechanism: loss of function.
Mismatch repair cancer syndrome 1 (MMRCS1). Also called: BRAIN TUMOR-POLYPOSIS SYNDROME 1; BTP1 SYNDROME; CHILDHOOD CANCER SYNDROME; MISMATCH REPAIR DEFICIENCY; MMR DEFICIENCY. Identifiers: Orphanet 252202, MedGen C5399763, MONDO:0010159, OMIM 276300. Disease mechanism: loss of function.
Hereditary nonpolyposis colorectal neoplasms. Identifiers: MedGen C0009405, MeSH D003123.
Hereditary cancer-predisposing syndrome. Also called: Hereditary Cancer Syndrome; Tumor predisposition; Neoplastic Syndromes, Hereditary; Hereditary neoplastic syndrome. Identifiers: Orphanet 140162, MedGen C0027672, MeSH D009386, MONDO:0015356.
Lynch syndrome. Identifiers: Orphanet 144, MedGen C4552100, MONDO:0005835. Disease mechanism: loss of function.
Endometrial carcinoma. Also called: Endometrial carcinoma, somatic. Identifiers: MedGen C0476089, MONDO:0002447, OMIM 608089, HP:0012114.

Allele frequency attached by ClinVar (database versions not stated): ExAC 0.00001; gnomAD exomes 0.00001; gnomAD 0.00004 and 0.00005; TOPMed 0.00006; ESP Exome Variant Server 0.00008.
gnomAD v4.1: 20 of 1,613,922 alleles (0.0012%); highest among the groups gnomAD compares: Admixed American, 0.0033%; 1 homozygote.

Submissions 1 to 10 of 15:

PreventionGenetics, part of Exact Sciences
Classification: Uncertain significance for MSH6-related condition. Last evaluated: 2026-05-20. Review status: criteria provided, single submitter. Criteria: ACMG Guidelines, 2015. Collection method: clinical testing. Allele origin: germline.
Comment: The MSH6 c.1402C>T variant is predicted to result in the amino acid substitution p.Arg468Cys. This variant has been reported as a variant of uncertain significance in individuals with a personal or family history of Lynch syndrome or colorectal cancer (Table S2, Yurgelun. 2015, PubMed ID: 25980754; Gordon. 2019. PubMed ID: 31422818; Rosenthal et al. 2018. PubMed ID: 30267214) and in individuals with a personal and/or family history of breast and/or ovarian cancer (Tsaousis et al. 2019. PubMed ID: 31159747; Tung et al. 2014. PubMed ID: 25186627). This variant is reported in 0.0026% of alleles in individuals of European (Non-Finnish) descent in gnomAD. This variant has conflicting interpretations in ClinVar ranging from uncertain to benign (Variation ID: 89191). At this time, the clinical significance of this variant is uncertain due to the absence of conclusive functional and genetic evidence.

Labcorp Genetics (formerly Invitae), Labcorp
Classification: Likely benign for Hereditary nonpolyposis colorectal neoplasms. Last evaluated: 2026-01-11. Review status: criteria provided, single submitter. Criteria: Invitae Variant Classification Sherloc (09022015). Collection method: clinical testing. Allele origin: germline.

Ambry Genetics
Classification: Uncertain significance for Hereditary cancer-predisposing syndrome. Last evaluated: 2025-06-22. Review status: criteria provided, single submitter. Criteria: Ambry Variant Classification Scheme 2023. Collection method: clinical testing. Allele origin: germline.
Comment: The p.R468C variant (also known as c.1402C>T), located in coding exon 4 of the MSH6 gene, results from a C to T substitution at nucleotide position 1402. The arginine at codon 468 is replaced by cysteine, an amino acid with highly dissimilar properties. This alteration was detected in a cohort of 1260 patients with a Lynch syndrome-associated cancer and/or polyps (Yurgelun MB et al. Gastroenterology. 2015 Sep;149(3):604-13.e20). In addition, this alteration was detected in 1/1197 individuals from Greece, Romania, and Turkey undergoing evaluation for inherited cancer predisposition (Tsaousis GN et al. BMC Cancer. 2019 Jun;19:535). This variant has been identified in multiple probands whose Lynch syndrome-associated tumor was microsatellite stable or demonstrated normal mismatch repair protein expression by immunohistochemistry (Ambry internal data). This amino acid position is highly conserved in available vertebrate species. In addition, this alteration is predicted to be deleterious by in silico analysis. Since supporting evidence is limited at this time, the clinical significance of this alteration remains unclear.

Center for Genomic Medicine, Rigshospitalet, Copenhagen University Hospital
Classification: Uncertain significance. Last evaluated: 2025-03-04. Review status: criteria provided, single submitter. Criteria: ACMG Guidelines, 2015. Collection method: clinical testing. Allele origin: germline.
Comment: Classification criteria: PP3_moderate, PM2_supporting

GeneDx
Classification: Uncertain significance. Last evaluated: 2024-11-12. Review status: criteria provided, single submitter. Criteria: GeneDx Variant Classification Process June 2021. Collection method: clinical testing. Allele origin: germline. Affected: yes.
Comment: In silico analysis supports that this missense variant has a deleterious effect on protein structure/function; Not observed at significant frequency in large population cohorts (gnomAD); This variant is associated with the following publications: (PMID: 23621914, 26333163, 29887214, 29581542, 31159747, 30798936, 27363726, 25980754, 36243179, 25186627, 30267214, 31422818, 17531815, 21120944)

ARUP Laboratories, Molecular Genetics and Genomics, ARUP Laboratories
Classification: Uncertain significance. Last evaluated: 2024-07-31. Review status: criteria provided, single submitter. Criteria: ARUP Molecular Germline Variant Investigation Process 2024. Collection method: clinical testing. Allele origin: germline.
Comment: The MSH6 c.1402C>T; p.Arg468Cys variant (rs369456858; ClinVar Variation ID: 89191) is reported in the literature in individuals affected with breast and ovarian cancer (Tsaousis 2019, Tung 2015) and in individuals with suspected Lynch syndrome but without strong evidence for causality (Gordon 2019, Yurgelun 2015). This variant is only observed on three alleles in the Genome Aggregation Database (v2.1.1), indicating it is not a common polymorphism. Computational analyses predict that this variant is deleterious (REVEL: 0.791). However, given the lack of clinical and functional data, the significance of the p.Arg468Cys variant is uncertain at this time. References: Gordon AS et al. Rates of Actionable Genetic Findings in Individuals with Colorectal Cancer or Polyps Ascertained from a Community Medical Setting. Am J Hum Genet. 2019 Sep 5;105(3):526-533. PMID: 31422818. Tsaousis GN et al. Analysis of hereditary cancer syndromes by using a panel of genes: novel and multiple pathogenic mutations. BMC Cancer. 2019 Jun 3;19(1):535. Tung N et al. Frequency of mutations in individuals with breast cancer referred for BRCA1 and BRCA2 testing using next-generation sequencing with a 25-gene panel. Cancer. 2015 Jan 1;121(1):25-33. PMID: 25186627. Yurgelun MB et al. Identification of a Variety of Mutations in Cancer Predisposition Genes in Patients With Suspected Lynch Syndrome. Gastroenterology. 2015 Sep;149(3):604-13.e20. PMID: 25980754.

Baylor Genetics
Classification: Uncertain significance for Endometrial carcinoma. Last evaluated: 2024-02-08. Review status: criteria provided, single submitter. Criteria: ACMG Guidelines, 2015. Collection method: clinical testing. Allele origin: unknown.

Blueprint Genetics
Classification: Uncertain significance. Last evaluated: 2023-11-23. Review status: criteria provided, single submitter. Criteria: ACMG Guidelines, 2015. Collection method: clinical testing. Allele origin: germline.

Myriad Genetics, Inc.
Classification: Benign for Lynch syndrome 5. Last evaluated: 2023-11-13. Review status: criteria provided, single submitter. Criteria: Myriad Autosomal Dominant, Autosomal Recessive and X-Linked Classification Criteria (2023). Collection method: clinical testing. Allele origin: unknown.
Comment: This variant is considered benign. Homozygosity for this variant has been confirmed in one or more individuals lacking clinical features consistent with gene-specific recessive disease, indicating that this variant is unlikely to be pathogenic. This variant is strongly associated with less severe personal and family histories of cancer, typical for individuals without pathogenic variants in this gene [PMID: 27363726].

Color Diagnostics, LLC DBA Color Health
Classification: Uncertain significance for Hereditary cancer-predisposing syndrome. Last evaluated: 2023-10-02. Review status: criteria provided, single submitter. Criteria: ACMG Guidelines, 2015. Collection method: clinical testing. Allele origin: germline.
Comment: This missense variant replaces arginine with cysteine at codon 468 of the MSH6 protein. Computational prediction suggests that this variant may have deleterious impact on protein structure and function (internally defined REVEL score threshold >= 0.7, PMID: 27666373). To our knowledge, functional studies have not been reported for this variant. This variant has been reported in individuals with Lynch syndrome-associated cancers whose tumors exhibited microsatellite stability or normal mismatch repair protein expression via immunohistochemistry analysis (ClinVar SCV000217287.8), as well as an individual affected with Lynch syndrome associated cancer and/or colorectal polyps (PMID: 25980754). This variant has been identified in 3/251136 chromosomes in the general population by the Genome Aggregation Database (gnomAD). The available evidence is insufficient to determine the role of this variant in disease conclusively. Therefore, this variant is classified as a Variant of Uncertain Significance.